The following is an entry in ClinVar:

ClinVar aggregate classification (germline): Uncertain significance (1 of 4 stars; one submission).

Allele frequency attached by ClinVar (database versions not stated): gnomAD exomes below 0.00001.

Submission:

Ambry Genetics
Classification: Uncertain significance. Last evaluated: 2023-01-19. Review status: criteria provided, single submitter. Criteria: Ambry Variant Classification Scheme 2023. Collection method: clinical testing. Allele origin: germline.
Comment: The p.V1684I variant (also known as c.5050G>A), located in coding exon 44 of the KIF1B gene, results from a G to A substitution at nucleotide position 5050. The valine at codon 1684 is replaced by isoleucine, an amino acid with highly similar properties. This amino acid position is conserved. In addition, this alteration is predicted to be tolerated by in silico analysis. Since supporting evidence is limited at this time, the clinical significance of this alteration remains unclear.

NM_001365951.3(KIF1B):c.5188G>A (p.Val1730Ile)

Gene: KIF1B (kinesin family member 1B; plus strand). Cytogenetic location: 1p36.22.
Variant type: single nucleotide variant.
Coding change: c.5188G>A on transcript NM_001365951.3 (MANE Select); coding-DNA position 5188, G replaced by A.
Protein change: p.Val1730Ile; replaces valine 1730 with isoleucine.
Molecular consequence: missense variant.
Genome position (GRCh38, 1-based): chr1:10,374,945, G>A. VCF-style: chr1-10374945-G-A. GRCh37 (hg19) VCF-style: chr1-10435003-G-A.
Other names: c.5188G>A, p.Val1730Ile (NM_001365952.1); c.5050G>A, p.Val1684Ile (NM_015074.3); short protein forms V1684I, V1730I.
Identifiers: ClinVar variation 2448756 (VCV002448756.2), dbSNP rs2521982738, ClinGen allele CA338330726.